The following is an entry in ClinVar:

NM_006015.6(ARID1A):c.222G>A (p.Gln74=)

Gene: ARID1A (AT-rich interaction domain 1A; plus strand). Cytogenetic location: 1p36.11.
Variant type: single nucleotide variant.
Coding change: c.222G>A on transcript NM_006015.6 (MANE Select); coding-DNA position 222, G replaced by A.
Protein change: p.Gln74=; no amino-acid change (glutamine 74 retained).
Molecular consequence: synonymous variant.
Genome position (GRCh38, 1-based): chr1:26,696,625, G>A. VCF-style: chr1-26696625-G-A. GRCh37 (hg19) VCF-style: chr1-27023116-G-A.
Other names: c.222G>A, p.Gln74= (NM_139135.4).
Identifiers: ClinVar variation 3696112 (VCV003696112.7).
Genomic context (GRCh38, chr1:26,696,625, plus strand): 5'-CGGGCAGGAAAGCGAGGGCCCCGCCGTGGGGCCGCCGCAGCCGCTGGGAAAGGAGCTGCA[G>A]GACGGGGCCGAGAGCAATGGGGGTGGCGGCGGCGGCGGAGCCGGCAGCGGCGGCGGGCCC-3'
Protein context (NP_006006.3, residues 64-84): GPPQPLGKEL[Gln74=]DGAESNGGGG

ClinVar aggregate classification (germline): Likely benign. Review status: criteria provided, multiple submitters, no conflicts (2 of 4 stars). 2 submissions from 2 submitters: Likely benign (2). Last evaluated 2025-12-01.

gnomAD v4.1: 7 of 1,271,354 alleles (0.00055%); highest among the groups gnomAD compares: Non-Finnish European, 0.00059%; no homozygotes.

Submissions (2):

CeGaT Center for Human Genetics Tuebingen
Classification: Likely benign. Last evaluated: 2025-12-01. Review status: criteria provided, single submitter. Criteria: CeGaT Center For Human Genetics Tuebingen Variant Classification Criteria Version 2. Collection method: clinical testing. Allele origin: germline. Affected: yes. Observed: 1 variant allele.
Comment: ARID1A: BP4, BP7

Labcorp Genetics (formerly Invitae), Labcorp
Classification: Likely benign. Last evaluated: 2024-09-09. Review status: criteria provided, single submitter. Criteria: Invitae Variant Classification Sherloc (09022015). Collection method: clinical testing. Allele origin: germline.